The following is an entry in ClinVar:

NM_020919.4(ALS2):c.2117A>G (p.Tyr706Cys)

Gene: ALS2 (alsin Rho guanine nucleotide exchange factor ALS2; minus strand). Cytogenetic location: 2q33.1.
Variant type: single nucleotide variant.
Coding change: c.2117A>G on transcript NM_020919.4 (MANE Select); coding-DNA position 2117, A replaced by G.
Protein change: p.Tyr706Cys; replaces tyrosine 706 with cysteine.
Molecular consequence: missense variant.
Genome position (GRCh38, 1-based): chr2:201,744,311, T>C on the plus strand (A>G on the coding strand, the complement: ALS2 is on the minus strand). VCF-style: chr2-201744311-T-C. GRCh37 (hg19) VCF-style: chr2-202609034-T-C.
Other names: c.2117A>G, p.Tyr706Cys (NM_001410975.1); short protein forms Y706C.
Identifiers: ClinVar variation 1995965 (VCV001995965.4), dbSNP rs1443684422, ClinGen allele CA350325001.
Genomic context (GRCh38, chr2:201,744,311, plus strand): 5'-AACTTACCTAAACTGAGAAGAGGCCTGAGAATCTGAGATTTGATATCACTTAGTTTTGAA[T>C]AGAATCGTCTTTCTGTAGTAGCTAACTCGTGGAGACTGGCAATATACCCCATAATGTTTT-3'
Protein context (NP_065970.2, residues 696-716): HELATTERRF[Tyr706Cys]SKLSDIKSQI

ClinVar aggregate classification (germline): Uncertain significance (1 of 4 stars; one submission).

Conditions:
Infantile-onset ascending hereditary spastic paralysis (IAHSP). Also called: Autosomal Recessive Juvenile Amyotrophic Lateral Sclerosis; Infantile-Onset Ascending Hereditary Spastic Paralysis (IAHSP). Identifiers: Orphanet 293168, MedGen C2931441, MONDO:0011797, OMIM 607225. Disease mechanism: loss of function.

Allele frequency attached by ClinVar (database versions not stated): TOPMed below 0.00001.
gnomAD v4.1: 5 of 1,614,184 alleles (0.00031%); highest among the groups gnomAD compares: Non-Finnish European, 0.00042%; no homozygotes.

Submission:

Labcorp Genetics (formerly Invitae), Labcorp
Classification: Uncertain significance for Infantile-onset ascending hereditary spastic paralysis. Last evaluated: 2022-07-27. Review status: criteria provided, single submitter. Criteria: Invitae Variant Classification Sherloc (09022015). Collection method: clinical testing. Allele origin: germline.
Comment: This sequence change replaces tyrosine, which is neutral and polar, with cysteine, which is neutral and slightly polar, at codon 706 of the ALS2 protein (p.Tyr706Cys). This variant is present in population databases (no rsID available, gnomAD 0.002%). This variant has not been reported in the literature in individuals affected with ALS2-related conditions. Algorithms developed to predict the effect of missense changes on protein structure and function are either unavailable or do not agree on the potential impact of this missense change (SIFT: "Deleterious"; PolyPhen-2: "Probably Damaging"; Align-GVGD: "Class C0"). In summary, the available evidence is currently insufficient to determine the role of this variant in disease. Therefore, it has been classified as a Variant of Uncertain Significance.